The following is an entry in ClinVar:

ClinVar aggregate classification (germline): Uncertain significance (1 of 4 stars; one submission).

Conditions:
Hereditary cancer-predisposing syndrome. Also called: Neoplastic Syndromes, Hereditary; Hereditary Cancer Syndrome; Hereditary neoplastic syndrome; Tumor predisposition. Identifiers: Orphanet 140162, MedGen C0027672, MeSH D009386, MONDO:0015356.

Submission:

Ambry Genetics
Classification: Uncertain significance for Hereditary cancer-predisposing syndrome. Last evaluated: 2023-05-16. Review status: criteria provided, single submitter. Criteria: Ambry Variant Classification Scheme 2023. Collection method: clinical testing. Allele origin: germline.
Comment: The p.E1586V variant (also known as c.4757A>T), located in coding exon 14 of the BRCA1 gene, results from an A to T substitution at nucleotide position 4757. The glutamic acid at codon 1586 is replaced by valine, an amino acid with dissimilar properties. This amino acid position is not well conserved in available vertebrate species. In addition, the in silico prediction for this alteration is inconclusive. Since supporting evidence is limited at this time, the clinical significance of this alteration remains unclear.

NM_007294.4(BRCA1):c.4757A>T (p.Glu1586Val)

Gene: BRCA1 (BRCA1 DNA repair associated; minus strand). Cytogenetic location: 17q21.31.
Variant type: single nucleotide variant.
Coding change: c.4757A>T on transcript NM_007294.4 (MANE Select); coding-DNA position 4757, A replaced by T.
Protein change: p.Glu1586Val; replaces glutamic acid 1586 with valine.
Molecular consequence: missense variant. On other transcripts: intron variant (1).
Genome position (GRCh38, 1-based): chr17:43,071,157, T>A on the plus strand (A>T on the coding strand, the complement: BRCA1 is on the minus strand). VCF-style: chr17-43071157-T-A. GRCh37 (hg19) VCF-style: chr17-41223174-T-A.
Other names: c.1445A>T, p.Glu482Val (NM_001407983.1, NM_001407980.1, NM_001407981.1 and 13 more transcripts); c.4613A>T, p.Glu1538Val (NM_001407740.1, NM_001407741.1, NM_001407742.1 and 21 more transcripts); c.4610A>T, p.Glu1537Val (NM_001407838.1, NM_001407839.1, NM_001407841.1 and 12 more transcripts); c.4757A>T, p.Glu1586Val (NM_001407854.1, NM_001407593.1, NM_001407594.1 and 8 more transcripts); c.4754A>T, p.Glu1585Val (NM_001407858.1, NM_001407859.1, NM_001407860.1 and 17 more transcripts); c.4751A>T, p.Glu1584Val (NM_001407861.1, NM_001407627.1, NM_001407628.1 and 14 more transcripts); c.4556A>T, p.Glu1519Val (NM_001407862.1); c.4631A>T, p.Glu1544Val (NM_001407863.1, NM_001407939.1, NM_001407940.1 and 11 more transcripts); and 71 more; short protein forms E1457V, E1475V, E1496V, E1544V, E1558V, E1560V, E1582V, E1585V.
Identifiers: ClinVar variation 2565351 (VCV002565351.2), dbSNP rs765189603, ClinGen allele CA10591994.